The following is an entry in ClinVar:

ClinVar aggregate classification (germline): Likely benign (1 of 4 stars; one submission).

gnomAD v4.1: 1 of 1,466,496 alleles (0.000068%); highest among the groups gnomAD compares: Non-Finnish European, 0.000095%; no homozygotes.

Submission:

Laboratory for Molecular Medicine, Mass General Brigham Personalized Medicine
Classification: Likely benign. Last evaluated: 2017-01-25. Review status: criteria provided, single submitter. Criteria: LMM Criteria. Collection method: clinical testing. Allele origin: germline. Observed: 1 variant allele.
Comment: c.1130+13G>T in intron 8 of KCNQ4: This variant is not expected to have clinical significance because it is not located within the splice consensus sequence.

NM_004700.4(KCNQ4):c.1130+13G>T

Gene: KCNQ4 (potassium voltage-gated channel subfamily Q member 4; plus strand). Cytogenetic location: 1p34.2.
Variant type: single nucleotide variant.
Coding change: c.1130+13G>T on transcript NM_004700.4 (MANE Select); 13 bases into the intron after coding-DNA position 1130, G replaced by T.
Molecular consequence: intron variant.
Genome position (GRCh38, 1-based): chr1:40,822,415, G>T. VCF-style: chr1-40822415-G-T. GRCh37 (hg19) VCF-style: chr1-41288087-G-T.
Other names: c.1130+13G>T (NM_172163.3).
Identifiers: ClinVar variation 505400 (VCV000505400.4), dbSNP rs1553167606, ClinGen allele CA658795427.